The following is an entry in ClinVar:

ClinVar aggregate classification (germline): Uncertain significance. Review status: criteria provided, multiple submitters, no conflicts (2 of 4 stars). 2 submissions from 2 submitters: Uncertain significance (2). Last evaluated 2024-10-01.

Conditions:
Combined immunodeficiency due to OX40 deficiency. Also called: Immunodeficiency 16; OX40 DEFICIENCY. Identifiers: Orphanet 431149, MedGen C3810053, MONDO:0014268, OMIM 615593.

Allele frequency attached by ClinVar (database versions not stated): gnomAD exomes 0.00003; ExAC 0.00006.

Submissions (2):

Ambry Genetics
Classification: Uncertain significance. Last evaluated: 2024-10-01. Review status: criteria provided, single submitter. Criteria: Ambry Variant Classification Scheme 2023. Collection method: clinical testing. Allele origin: germline.

Labcorp Genetics (formerly Invitae), Labcorp
Classification: Uncertain significance for Combined immunodeficiency due to OX40 deficiency. Last evaluated: 2023-11-19. Review status: criteria provided, single submitter. Criteria: Invitae Variant Classification Sherloc (09022015). Collection method: clinical testing. Allele origin: germline.
Comment: This sequence change replaces arginine, which is basic and polar, with glutamine, which is neutral and polar, at codon 110 of the TNFRSF4 protein (p.Arg110Gln). This variant is present in population databases (rs371978650, gnomAD 0.02%). This variant has not been reported in the literature in individuals affected with TNFRSF4-related conditions. ClinVar contains an entry for this variant (Variation ID: 1450582). Advanced modeling of protein sequence and biophysical properties (such as structural, functional, and spatial information, amino acid conservation, physicochemical variation, residue mobility, and thermodynamic stability) performed at Invitae indicates that this missense variant is not expected to disrupt TNFRSF4 protein function with a negative predictive value of 80%. In summary, the available evidence is currently insufficient to determine the role of this variant in disease. Therefore, it has been classified as a Variant of Uncertain Significance.

NM_003327.4(TNFRSF4):c.329G>A (p.Arg110Gln)

Gene: TNFRSF4 (TNF receptor superfamily member 4; minus strand). Cytogenetic location: 1p36.33.
Variant type: single nucleotide variant.
Coding change: c.329G>A on transcript NM_003327.4 (MANE Select); coding-DNA position 329, G replaced by A.
Protein change: p.Arg110Gln; replaces arginine 110 with glutamine.
Molecular consequence: missense variant.
Genome position (GRCh38, 1-based): chr1:1,213,033, C>T on the plus strand (G>A on the coding strand, the complement: TNFRSF4 is on the minus strand). VCF-style: chr1-1213033-C-T. GRCh37 (hg19) VCF-style: chr1-1148413-C-T.
Other names: c.329G>A (NM_003327.3); short protein forms R110Q.
Identifiers: ClinVar variation 1450582 (VCV001450582.10), dbSNP rs371978650, ClinGen allele CA512527.